The following is an entry in ClinVar:

NM_000138.5(FBN1):c.3558C>G (p.Tyr1186Ter)

Gene: FBN1 (fibrillin 1; minus strand). Cytogenetic location: 15q21.1.
Variant type: single nucleotide variant.
Coding change: c.3558C>G on transcript NM_000138.5 (MANE Select); coding-DNA position 3558, C replaced by G.
Protein change: p.Tyr1186Ter; replaces tyrosine 1186 with a stop codon.
Molecular consequence: nonsense.
Genome position (GRCh38, 1-based): chr15:48,487,106, G>C on the plus strand (C>G on the coding strand, the complement: FBN1 is on the minus strand). VCF-style: chr15-48487106-G-C. GRCh37 (hg19) VCF-style: chr15-48779303-G-C.
Other names: short protein forms Y1186*.
Identifiers: ClinVar variation 547311 (VCV000547311.5), dbSNP rs1555398510, ClinGen allele CA392324974.
Genomic context (GRCh38, chr15:48,487,106, plus strand): 5'-AAAATAAAATAAAATAAAAAAGAACTTACCAACACAAAATAGCCTATCGGGAGTTGAATG[G>C]TAGCCAGGGTTGCAGGCACACTGATACTTCCCTATGAGGTTCACGCAACGGCCATTGGGG-3'

ClinVar aggregate classification (germline): Pathogenic/Likely pathogenic. Review status: criteria provided, multiple submitters, no conflicts (2 of 4 stars). 2 submissions from 2 submitters: Pathogenic (1); Likely pathogenic (1). Last evaluated 2022-05-31.

Conditions:
Familial thoracic aortic aneurysm and aortic dissection (TAAD). Also called: Thoracic aortic aneurysms and dissections. Identifiers: Orphanet 91387, MedGen C4707243, MONDO:0019625.
Marfan syndrome (MFS). Also called: Marfan syndrome type 1; Marfan syndrome, classic; Marfan's syndrome; FBN1-Related Marfan Syndrome; MARFAN SYNDROME, TYPE I. Identifiers: Orphanet 284963, Orphanet 558, MedGen C0024796, MONDO:0007947, OMIM 154700.

Submissions (2):

Labcorp Genetics (formerly Invitae), Labcorp
Classification: Pathogenic for Marfan syndrome; Familial thoracic aortic aneurysm and aortic dissection. Last evaluated: 2022-05-31. Review status: criteria provided, single submitter. Criteria: Invitae Variant Classification Sherloc (09022015). Collection method: clinical testing. Allele origin: germline.
Comment: For these reasons, this variant has been classified as Pathogenic. This sequence change creates a premature translational stop signal (p.Tyr1186*) in the FBN1 gene. It is expected to result in an absent or disrupted protein product. Loss-of-function variants in FBN1 are known to be pathogenic (PMID: 17657824, 19293843). This variant is not present in population databases (gnomAD no frequency). This variant has not been reported in the literature in individuals affected with FBN1-related conditions. ClinVar contains an entry for this variant (Variation ID: 547311).

Center for Human Genetics, Inc
Classification: Likely pathogenic for Marfan syndrome. Last evaluated: 2016-11-01. Review status: criteria provided, single submitter. Criteria: ACMG Guidelines, 2015. Collection method: clinical testing. Allele origin: germline. Affected: yes.

Literature cited by the submitters: PubMed 17657824 (cited by Labcorp Genetics (formerly Invitae), Labcorp); PubMed 19293843 (cited by Labcorp Genetics (formerly Invitae), Labcorp).